The following is an entry in ClinVar:

NM_004836.7(EIF2AK3):c.3150+4T>A

Genes: EIF2AK3 (eukaryotic translation initiation factor 2 alpha kinase 3; minus strand), EIF2AK3-AS1 (EIF2AK3 antisense RNA 1; plus strand). Cytogenetic location: 2p11.2.
Variant type: single nucleotide variant.
Coding change: c.3150+4T>A on transcript NM_004836.7 (MANE Select); 4 bases into the intron after coding-DNA position 3150, T replaced by A.
Molecular consequence: intron variant.
Genome position (GRCh38, 1-based): chr2:88,558,913, A>T on the plus strand (T>A on the coding strand, the complement: EIF2AK3 is on the minus strand). VCF-style: chr2-88558913-A-T. GRCh37 (hg19) VCF-style: chr2-88858431-A-T.
Other names: c.2697+4T>A (NM_001313915.2).
Identifiers: ClinVar variation 3688910 (VCV003688910.2).

ClinVar aggregate classification (germline): Uncertain significance (1 of 4 stars; one submission).

gnomAD v4.1: 7 of 1,591,978 alleles (0.00044%); highest among the groups gnomAD compares: Non-Finnish European, 0.0006%; no homozygotes.

Submission:

Labcorp Genetics (formerly Invitae), Labcorp
Classification: Uncertain significance. Last evaluated: 2024-05-15. Review status: criteria provided, single submitter. Criteria: Invitae Variant Classification Sherloc (09022015). Collection method: clinical testing. Allele origin: germline.
Comment: This sequence change falls in intron 16 of the EIF2AK3 gene. It does not directly change the encoded amino acid sequence of the EIF2AK3 protein. It affects a nucleotide within the consensus splice site. This variant is not present in population databases (gnomAD no frequency). This variant has not been reported in the literature in individuals affected with EIF2AK3-related conditions. Variants that disrupt the consensus splice site are a relatively common cause of aberrant splicing (PMID: 17576681, 9536098). Algorithms developed to predict the effect of sequence changes on RNA splicing suggest that this variant is not likely to affect RNA splicing. In summary, the available evidence is currently insufficient to determine the role of this variant in disease. Therefore, it has been classified as a Variant of Uncertain Significance.

Literature cited by the submitters: PubMed 17576681; PubMed 9536098.